The following is an entry in ClinVar:

NM_032607.3(CREB3L3):c.*5C>T

Genes: CREB3L3 (cAMP responsive element binding protein 3 like 3; plus strand), LOC125371455 (Sharpr-MPRA regulatory region 11650; plus strand). Cytogenetic location: 19p13.3.
Variant type: single nucleotide variant.
Coding change: c.*5C>T on transcript NM_032607.3 (MANE Select); 5 bases downstream of the stop codon, C replaced by T.
Molecular consequence: 3 prime UTR variant.
Genome position (GRCh38, 1-based): chr19:4,171,974, C>T. VCF-style: chr19-4171974-C-T. GRCh37 (hg19) VCF-style: chr19-4171971-C-T.
Other names: c.*5C>T (NM_001271995.2, NM_001271996.2); c.*270C>T (NM_001271997.2).
Identifiers: ClinVar variation 3038681 (VCV003038681.4), dbSNP rs150466609, ClinGen allele CA9091698.
Genomic context (GRCh38, chr19:4,171,974, plus strand): 5'-GGCCGAGCACTGGCTCAGGACGTGCAGGGCTGGAGGCGGCGGGAGACGAGCTGTGAGCCC[C>T]GCCAGGACTATGCTCCCAGGCCCCTCTGCCCAGGGGTGCCTTGGGGATGCTGCACTGGGC-3'

ClinVar aggregate classification (germline): Likely benign. Review status: criteria provided, multiple submitters, no conflicts (2 of 4 stars). 3 submissions from 3 submitters: Likely benign (2). 1 of the submissions does not count toward it. Last evaluated 2025-03-18.

Conditions:
CREB3L3-related disorder. Also called: CREB3L3-related condition.

Allele frequency attached by ClinVar (database versions not stated): gnomAD exomes 0.00026; ESP Exome Variant Server 0.00031; gnomAD 0.00060; ExAC 0.00073; 1000 Genomes Project 30x 0.00078; 1000 Genomes Project 0.00080; TOPMed 0.00080.

Submissions (3):

Mayo Clinic Laboratories, Mayo Clinic
Classification: Likely benign. Last evaluated: 2025-03-18. Review status: criteria provided, single submitter. Criteria: ACMG Guidelines, 2015. Collection method: clinical testing. Allele origin: germline. Observed: 1 variant allele.
Comment: BS1

Blueprint Genetics
Classification: Likely benign. Last evaluated: 2024-07-10. Review status: criteria provided, single submitter. Criteria: ACMG Guidelines, 2015. Collection method: clinical testing. Allele origin: germline.

PreventionGenetics, part of Exact Sciences
Classification: Likely benign for CREB3L3-related condition. Last evaluated: 2021-11-10. Review status: no assertion criteria provided. Collection method: clinical testing. Allele origin: germline. Not counted in ClinVar's aggregate classification.
Comment: This variant is classified as likely benign based on ACMG/AMP sequence variant interpretation guidelines (Richards et al. 2015 PMID: 25741868, with internal and published modifications).